The following is an entry in ClinVar:

NM_001083614.2(EARS2):c.349C>T (p.Gln117Ter)

Gene: EARS2 (glutamyl-tRNA synthetase 2, mitochondrial; minus strand). Cytogenetic location: 16p12.2.
Variant type: single nucleotide variant.
Coding change: c.349C>T on transcript NM_001083614.2 (MANE Select); coding-DNA position 349, C replaced by T.
Protein change: p.Gln117Ter; replaces glutamine 117 with a stop codon.
Molecular consequence: nonsense. On other transcripts: non-coding transcript variant (1).
Genome position (GRCh38, 1-based): chr16:23,544,650, G>A on the plus strand (C>T on the coding strand, the complement: EARS2 is on the minus strand). VCF-style: chr16-23544650-G-A. GRCh37 (hg19) VCF-style: chr16-23555971-G-A.
Other names: c.349C>T, p.Gln117Ter (NM_001308211.1, NM_133451.1); short protein forms Q117*.
Identifiers: ClinVar variation 2584491 (VCV002584491.1), dbSNP rs2506892252, ClinGen allele CA395138638.

ClinVar aggregate classification (germline): Likely pathogenic (1 of 4 stars; one submission).

Conditions:
EARS2-related disorder. Also called: EARS2-related condition; EARS2-related disorders.

Allele frequency attached by ClinVar (database versions not stated): gnomAD exomes below 0.00001.
gnomAD v4.1: 4 of 1,611,266 alleles (0.00025%); highest among the groups gnomAD compares: Middle Eastern, 0.018%; no homozygotes.

Submission:

Rady Children's Institute for Genomic Medicine, Rady Children's Hospital San Diego
Classification: Likely pathogenic for EARS2-Related Disorders. Review status: criteria provided, single submitter. Criteria: ACMG Guidelines, 2015. Collection method: clinical testing. Allele origin: germline. Affected: yes.
Comment: This nonsense variant found in exon 3 of 9 is predicted to result in loss of normal protein function through either protein truncation or nonsense-mediated mRNA decay (NMD). This variant has not been previously reported or functionally characterized in the literature to our knowledge. It is absent from the gnomAD population database and thus is presumed to be rare. Based on the available evidence, the c.349C>T (p.Gln117Ter) variant is classified as Likely Pathogenic.